The following is an entry in ClinVar:

NM_001367823.1(ARHGEF18):c.2677G>A (p.Ala893Thr)

Gene: ARHGEF18 (Rho/Rac guanine nucleotide exchange factor 18; plus strand). Cytogenetic location: 19p13.2.
Variant type: single nucleotide variant.
Coding change: c.2677G>A on transcript NM_001367823.1 (MANE Select); coding-DNA position 2677, G replaced by A.
Protein change: p.Ala893Thr; replaces alanine 893 with threonine.
Molecular consequence: missense variant.
Genome position (GRCh38, 1-based): chr19:7,463,859, G>A. VCF-style: chr19-7463859-G-A. GRCh37 (hg19) VCF-style: chr19-7528745-G-A.
Other names: c.1951G>A, p.Ala651Thr (NM_001130955.2); c.1639G>A, p.Ala547Thr (NM_001367824.1, NM_015318.4); c.2113G>A (NM_001130955.1); short protein forms A547T, A651T, A893T.
Identifiers: ClinVar variation 1002015 (VCV001002015.5), dbSNP rs140494987, ClinGen allele CA9136942.

ClinVar aggregate classification (germline): Conflicting classifications of pathogenicity. Review status: criteria provided, conflicting classifications (1 of 4 stars). 2 submissions from 2 submitters: Uncertain significance (1); Likely benign (1). Last evaluated 2025-02-25.

Conditions:
Inborn genetic diseases. Identifiers: MedGen C0950123, MeSH D030342.

Allele frequency attached by ClinVar (database versions not stated): gnomAD exomes 0.00002; ExAC 0.00004; gnomAD 0.00004; TOPMed 0.00005; ESP Exome Variant Server 0.00015.
gnomAD v4.1: 30 of 1,605,414 alleles (0.0019%); highest among the groups gnomAD compares: Middle Eastern, 0.017%; no homozygotes.

Submissions (2):

Labcorp Genetics (formerly Invitae), Labcorp
Classification: Uncertain significance. Last evaluated: 2025-02-25. Review status: criteria provided, single submitter. Criteria: Invitae Variant Classification Sherloc (09022015). Collection method: clinical testing. Allele origin: germline.
Comment: This sequence change replaces alanine, which is neutral and non-polar, with threonine, which is neutral and polar, at codon 705 of the ARHGEF18 protein (p.Ala705Thr). The frequency data for this variant in the population databases is considered unreliable, as metrics indicate poor data quality at this position in the gnomAD database. This variant has not been reported in the literature in individuals affected with ARHGEF18-related conditions. ClinVar contains an entry for this variant (Variation ID: 1002015). An algorithm developed to predict the effect of missense changes on protein structure and function outputs the following: PolyPhen-2: "Benign". The threonine amino acid residue is found in multiple mammalian species, which suggests that this missense change does not adversely affect protein function. In summary, the available evidence is currently insufficient to determine the role of this variant in disease. Therefore, it has been classified as a Variant of Uncertain Significance.

Ambry Genetics
Classification: Likely benign for Inborn genetic diseases. Last evaluated: 2023-12-20. Review status: criteria provided, single submitter. Criteria: Ambry Variant Classification Scheme 2023. Collection method: clinical testing. Allele origin: germline.